The following is an entry in ClinVar:

ClinVar aggregate classification (germline): Pathogenic (1 of 4 stars; one submission).

Conditions:
Peutz-Jeghers syndrome (PJS). Also called: POLYPOSIS, HAMARTOMATOUS INTESTINAL; POLYPS-AND-SPOTS SYNDROME; Peutz-Jeghers polyposis; Periorificial lentiginosis syndrome. Identifiers: Orphanet 2869, MedGen C0031269, MeSH D010580, MONDO:0008280, OMIM 175200.

Submission:

Labcorp Genetics (formerly Invitae), Labcorp
Classification: Pathogenic for Peutz-Jeghers syndrome. Last evaluated: 2023-10-27. Review status: criteria provided, single submitter. Criteria: Invitae Variant Classification Sherloc (09022015). Collection method: clinical testing. Allele origin: germline.
Comment: This variant is a gross deletion of the genomic region encompassing exon(s) 1 of the STK11 gene, which includes the initiator codon. This deletion extends beyond the assayed region for this gene and therefore may encompass additional genes. It is expected to result in an absent or disrupted protein product. Loss-of-function variants in STK11 are known to be pathogenic (PMID: 15188174, 16287113). A similar copy number variant has been observed in individual(s) with clinical features of Peutz-Jeghers syndrome (PMID: 19727776, 22382802, 23399955, 24260271). The region of the STK11 gene that includes exon(s) exon 1 has been determined to be clinically significant (PMID: 12829253). Therefore, deletions that encompass that region are likely to be disease-causing. For these reasons, this variant has been classified as Pathogenic.

Literature cited by the submitters: PubMed 15188174; PubMed 16287113; PubMed 19727776; PubMed 22382802; PubMed 23399955; PubMed 24260271; PubMed 12829253.

NC_000019.9:g.(?_1206913)_(1207212_?)del

Gene: STK11 (serine/threonine kinase 11; plus strand). Cytogenetic location: 19p13.3.
Variant type: Deletion.
Identifiers: ClinVar variation 1073837 (VCV001073837.6).